The following is an entry in ClinVar:

ClinVar aggregate classification (germline): Conflicting classifications of pathogenicity. Review status: criteria provided, conflicting classifications (1 of 4 stars). 5 submissions from 5 submitters: Uncertain significance (2); Likely benign (3). Last evaluated 2026-10-22.

Conditions:
Tuberous sclerosis 2 (TSC2). Identifiers: Orphanet 805, MedGen C1860707, MONDO:0013199, OMIM 613254.
Tuberous sclerosis syndrome (TSC). Also called: Tuberous Sclerosis Complex; Tuberous sclerosis. Identifiers: Orphanet 805, MedGen C0041341, MONDO:0001734.
Hereditary cancer-predisposing syndrome. Also called: Hereditary neoplastic syndrome; Tumor predisposition; Neoplastic Syndromes, Hereditary; Hereditary Cancer Syndrome. Identifiers: Orphanet 140162, MedGen C0027672, MeSH D009386, MONDO:0015356.

Allele frequency attached by ClinVar (database versions not stated): ExAC 0.00002; gnomAD 0.00001; TOPMed 0.00001; gnomAD exomes 0.00002.

Submissions (5):

NHS Central & South Genomic Laboratory Hub
Classification: Uncertain significance for Tuberous sclerosis. Last evaluated: 2026-10-22. Review status: criteria provided, single submitter. Criteria: ACMG Guidelines, 2015. Collection method: clinical testing. Allele origin: germline. Affected: yes.

Labcorp Genetics (formerly Invitae), Labcorp
Classification: Likely benign for Tuberous sclerosis 2. Last evaluated: 2025-11-26. Review status: criteria provided, single submitter. Criteria: Invitae Variant Classification Sherloc (09022015). Collection method: clinical testing. Allele origin: germline.

Ambry Genetics
Classification: Likely benign for Hereditary cancer-predisposing syndrome. Last evaluated: 2024-01-26. Review status: criteria provided, single submitter. Criteria: Ambry Variant Classification Scheme 2023. Collection method: clinical testing. Allele origin: germline.

GeneDx
Classification: Uncertain significance. Last evaluated: 2022-09-07. Review status: criteria provided, single submitter. Criteria: GeneDx Variant Classification Process June 2021. Collection method: clinical testing. Allele origin: germline. Affected: yes.
Comment: In silico analysis supports that this missense variant has a deleterious effect on protein structure/function; Has not been previously published as pathogenic or benign to our knowledge

Genome-Nilou Lab
Classification: Likely benign for Tuberous sclerosis 2. Last evaluated: 2021-11-07. Review status: criteria provided, single submitter. Criteria: ACMG Guidelines, 2015. Collection method: clinical testing. Allele origin: germline. Affected: no.

NM_000548.5(TSC2):c.2932C>T (p.Arg978Cys)

Gene: TSC2 (TSC complex subunit 2; plus strand). Cytogenetic location: 16p13.3.
Variant type: single nucleotide variant.
Coding change: c.2932C>T on transcript NM_000548.5 (MANE Select); coding-DNA position 2932, C replaced by T.
Protein change: p.Arg978Cys; replaces arginine 978 with cysteine.
Molecular consequence: missense variant. On other transcripts: intron variant (9).
Genome position (GRCh38, 1-based): chr16:2,077,692, C>T. VCF-style: chr16-2077692-C-T. GRCh37 (hg19) VCF-style: chr16-2127693-C-T.
Other names: c.2932C>T, p.Arg978Cys (NM_001114382.3); c.2837+1107C>T (NM_021055.3, NM_001370405.1, NM_001363528.2 and 2 more transcripts); c.2726+1107C>T (NM_001318827.2); c.2237+1107C>T (NM_001318831.2); c.2690+1107C>T (NM_001318829.2); c.2870+1107C>T (NM_001318832.2); short protein forms R978C.
Identifiers: ClinVar variation 423627 (VCV000423627.23), dbSNP rs768241596, ClinGen allele CA042875.